The following is an entry in ClinVar:

NM_024711.6(GIMAP6):c.861G>A (p.Leu287=)

Gene: GIMAP6 (GTPase, IMAP family member 6; minus strand). Cytogenetic location: 7q36.1.
Variant type: single nucleotide variant.
Coding change: c.861G>A on transcript NM_024711.6 (MANE Select); coding-DNA position 861, G replaced by A.
Protein change: p.Leu287=; no amino-acid change (leucine 287 retained).
Molecular consequence: synonymous variant. On other transcripts: 3 prime UTR variant (1).
Genome position (GRCh38, 1-based): chr7:150,627,737, C>T on the plus strand (G>A on the coding strand, the complement: GIMAP6 is on the minus strand). VCF-style: chr7-150627737-C-T. GRCh37 (hg19) VCF-style: chr7-150324825-C-T.
Other names: c.*448G>A (NM_001244071.2); c.1071G>A, p.Leu357= (NM_001244072.2).
Identifiers: ClinVar variation 2688170 (VCV002688170.2), dbSNP rs3735084, ClinGen allele CA4564137.

ClinVar aggregate classification (germline): Benign (1 of 4 stars; one submission).

Allele frequency attached by ClinVar (database versions not stated): 1000 Genomes Project 30x 0.28373; 1000 Genomes Project 0.28435; TOPMed 0.29553; ExAC 0.29797; gnomAD 0.29952; ESP Exome Variant Server 0.29978; gnomAD exomes 0.30886.
gnomAD v4.1: 496,329 of 1,613,202 alleles (31%); highest among the groups gnomAD compares: East Asian, 33%; 76,866 homozygotes.

Submission:

Unidad de Genómica Garrahan, Hospital de Pediatría Garrahan
Classification: Benign. Last evaluated: 2024-01-24. Review status: criteria provided, single submitter. Criteria: ACMG Guidelines, 2015. Collection method: clinical testing. Allele origin: germline. Affected: no. Observed: 41 variant alleles.
Comment: This variant is classified as Benign based on local population frequency. This variant was detected in 43% of patients studied by a panel of primary immunodeficiencies. Number of patients: 41. Only high quality variants are reported.